The following is an entry in ClinVar:

NM_001146262.4(SYT14):c.774A>C (p.Glu258Asp)

Gene: SYT14 (synaptotagmin 14; plus strand). Cytogenetic location: 1q32.2.
Variant type: single nucleotide variant.
Coding change: c.774A>C on transcript NM_001146262.4 (MANE Select); coding-DNA position 774, A replaced by C.
Protein change: p.Glu258Asp; replaces glutamic acid 258 with aspartic acid.
Molecular consequence: missense variant. On other transcripts: non-coding transcript variant (1).
Genome position (GRCh38, 1-based): chr1:210,100,071, A>C. VCF-style: chr1-210100071-A-C. GRCh37 (hg19) VCF-style: chr1-210273416-A-C.
Other names: c.909A>C, p.Glu303Asp (NM_001146261.4, NM_001146264.4); c.660A>C, p.Glu220Asp (NM_001256006.3); c.1644A>C, p.Glu548Asp (NM_001397544.1, NM_001397545.1); c.774A>C, p.Glu258Asp (NM_153262.5); short protein forms E220D, E258D, E303D, E548D.
Identifiers: ClinVar variation 2684022 (VCV002684022.1), dbSNP rs749255767, ClinGen allele CA1378337.

ClinVar aggregate classification (germline): Uncertain significance (1 of 4 stars; one submission).

Allele frequency attached by ClinVar (database versions not stated): gnomAD 0.00003; TOPMed 0.00008; ExAC 0.00009.
gnomAD v4.1: 29 of 1,614,018 alleles (0.0018%); highest among the groups gnomAD compares: Admixed American, 0.045%; no homozygotes.

Submission:

Athena Diagnostics
Classification: Uncertain significance. Last evaluated: 2023-05-10. Review status: criteria provided, single submitter. Criteria: Athena Diagnostics Criteria. Collection method: clinical testing. Allele origin: unknown.
Comment: Available data are insufficient to determine the clinical significance of the variant at this time. The frequency of this variant in the general population is higher than would generally be expected for pathogenic variants in this gene. Computational tools predict that this variant is not damaging.